The following is an entry in ClinVar:

ClinVar aggregate classification (germline): Uncertain significance (1 of 4 stars; one submission).

Conditions:
Hereditary sensory and autonomic neuropathy type 6. Also called: Neuropathy, hereditary sensory and autonomic, type VI; HSAN VI. Identifiers: Orphanet 314381, MedGen C3539003, MONDO:0013839, OMIM 614653.
Epidermolysis bullosa simplex 3, localized or generalized intermediate, with BP230 deficiency (EBS3). Also called: Epidermolysis bullosa simplex due to BP230 deficiency; Epidermolysis bullosa simplex, autosomal recessive 2. Identifiers: Orphanet 412181, MedGen C3809470, MONDO:0014180, OMIM 615425.

Allele frequency attached by ClinVar (database versions not stated): gnomAD exomes below 0.00001; TOPMed below 0.00001.
gnomAD v4.1: 3 of 1,594,076 alleles (0.00019%); highest among the groups gnomAD compares: African/African-American, 0.0013%; no homozygotes.

Submission:

Labcorp Genetics (formerly Invitae), Labcorp
Classification: Uncertain significance for Epidermolysis bullosa simplex 3, localized or generalized intermediate, with BP230 deficiency; Hereditary sensory and autonomic neuropathy type 6. Last evaluated: 2020-12-24. Review status: criteria provided, single submitter. Criteria: Invitae Variant Classification Sherloc (09022015). Collection method: clinical testing. Allele origin: germline.
Comment: This sequence change falls in intron 53 of the DST gene. It does not directly change the encoded amino acid sequence of the DST protein. The DST gene has multiple clinically relevant transcripts. This variant occurs in alternate transcript NM_015548.4, and corresponds to NM_001723.5:c.*104114T>C in the primary transcript. It affects a nucleotide within the consensus splice site of the intron. This variant is not present in population databases (ExAC no frequency). This variant has not been reported in the literature in individuals with DST-related conditions. Nucleotide substitutions within the consensus splice site are a relatively common cause of aberrant splicing (PMID: 17576681, 9536098). Algorithms developed to predict the effect of sequence changes on RNA splicing suggest that this variant may create or strengthen a splice site, but this prediction has not been confirmed by published transcriptional studies. In summary, the available evidence is currently insufficient to determine the role of this variant in disease. Therefore, it has been classified as a Variant of Uncertain Significance.

Literature cited by the submitters: PubMed 17576681; PubMed 9536098.

NM_001374736.1(DST):c.18577-3T>C

Gene: DST (dystonin; minus strand). Cytogenetic location: 6p12.1.
Variant type: single nucleotide variant.
Coding change: c.18577-3T>C on transcript NM_001374736.1 (MANE Select); 3 bases into the intron before coding-DNA position 18577, T replaced by C.
Molecular consequence: intron variant.
Genome position (GRCh38, 1-based): chr6:56,511,403, A>G on the plus strand (T>C on the coding strand, the complement: DST is on the minus strand). VCF-style: chr6-56511403-A-G. GRCh37 (hg19) VCF-style: chr6-56376201-A-G.
Other names: c.12220-3T>C (NM_001144769.5); c.18577-3T>C (NM_001374722.1); c.18604-3T>C (NM_001374734.1); c.11806-3T>C (NM_001144770.2); c.11359-3T>C (NM_001374730.1); c.11686-3T>C (NM_001386100.1, NM_183380.4); c.17617-3T>C (NM_001374729.1); c.10708-3T>C (NM_015548.5).
Identifiers: ClinVar variation 1424096 (VCV001424096.3), dbSNP rs1270505492, ClinGen allele CA567637912.